The following is an entry in ClinVar:

ClinVar aggregate classification (germline): Uncertain significance (1 of 4 stars; one submission).

Conditions:
Hereditary cancer-predisposing syndrome. Also called: Tumor predisposition; Neoplastic Syndromes, Hereditary; Hereditary neoplastic syndrome; Hereditary Cancer Syndrome. Identifiers: Orphanet 140162, MedGen C0027672, MeSH D009386, MONDO:0015356.

Submission:

Ambry Genetics
Classification: Uncertain significance for Hereditary cancer-predisposing syndrome. Last evaluated: 2025-08-27. Review status: criteria provided, single submitter. Criteria: Ambry Variant Classification Scheme 2023. Collection method: clinical testing. Allele origin: germline.
Comment: The p.G35W variant (also known as c.103G>T), located in coding exon 2 of the MUTYH gene, results from a G to T substitution at nucleotide position 103. The glycine at codon 35 is replaced by tryptophan, an amino acid with highly dissimilar properties. This amino acid position is conserved. In addition, this alteration is predicted to be tolerated by in silico analysis. Based on the available evidence, the clinical significance of this variant remains unclear.

NM_001048174.2(MUTYH):c.61G>T (p.Gly21Trp)

Gene: MUTYH (mutY DNA glycosylase; minus strand). Cytogenetic location: 1p34.1.
Variant type: single nucleotide variant.
Coding change: c.61G>T on transcript NM_001048174.2 (MANE Select); coding-DNA position 61, G replaced by T.
Protein change: p.Gly21Trp; replaces glycine 21 with tryptophan.
Molecular consequence: missense variant. On other transcripts: 5 prime UTR variant (7), non-coding transcript variant (7).
Genome position (GRCh38, 1-based): chr1:45,334,445, C>A on the plus strand (G>T on the coding strand, the complement: MUTYH is on the minus strand). VCF-style: chr1-45334445-C-A. GRCh37 (hg19) VCF-style: chr1-45800117-C-A.
Other names: c.61G>T, p.Gly21Trp (NM_001048171.2, NM_001048172.2, NM_001048173.2 and 15 more transcripts); c.103G>T, p.Gly35Trp (NM_001128425.2, NM_001293190.2, NM_001407069.1 and 2 more transcripts); c.-152G>T (NM_001293192.2, NM_001293196.2, NM_001407091.1); c.-211G>T (NM_001350650.2); c.-147G>T (NM_001350651.2, NM_001407082.1); c.-96G>T (NM_001407075.1); c.79G>T, p.Gly27Trp (NM_001407087.1); short protein forms G21W, G27W, G35W.
Identifiers: ClinVar variation 4112947 (VCV004112947.1).